The following is an entry in ClinVar:

NM_000368.5(TSC1):c.3080G>C (p.Arg1027Pro)

Gene: TSC1 (TSC complex subunit 1; minus strand). Cytogenetic location: 9q34.13.
Variant type: single nucleotide variant.
Coding change: c.3080G>C on transcript NM_000368.5 (MANE Select); coding-DNA position 3080, G replaced by C.
Protein change: p.Arg1027Pro; replaces arginine 1027 with proline.
Molecular consequence: missense variant. On other transcripts: non-coding transcript variant (5).
Genome position (GRCh38, 1-based): chr9:132,896,650, C>G on the plus strand (G>C on the coding strand, the complement: TSC1 is on the minus strand). VCF-style: chr9-132896650-C-G. GRCh37 (hg19) VCF-style: chr9-135772037-C-G.
Other names: c.3077G>C, p.Arg1026Pro (NM_001162426.2, NM_001406597.1, NM_001406598.1 and 2 more transcripts); c.2927G>C, p.Arg976Pro (NM_001162427.2, NM_001406610.1); c.2717G>C, p.Arg906Pro (NM_001362177.2, NM_001406614.1, NM_001406615.1 and 4 more transcripts); c.3080G>C, p.Arg1027Pro (NM_001406592.1, NM_001406593.1, NM_001406594.1 and 2 more transcripts); c.3065G>C, p.Arg1022Pro (NM_001406601.1, NM_001406602.1); c.3062G>C, p.Arg1021Pro (NM_001406603.1, NM_001406604.1); c.3038G>C, p.Arg1013Pro (NM_001406605.1, NM_001406606.1, NM_001406607.1); c.3035G>C, p.Arg1012Pro (NM_001406608.1, NM_001406609.1); and 8 more; short protein forms R1012P, R1013P, R1021P, R1022P, R1026P, R1027P, R676P, R709P.
Identifiers: ClinVar variation 4866045 (VCV004866045.1).

ClinVar aggregate classification (germline): Uncertain significance (1 of 4 stars; one submission).

Conditions:
Hereditary cancer-predisposing syndrome. Also called: Neoplastic Syndromes, Hereditary; Tumor predisposition; Hereditary Cancer Syndrome; Hereditary neoplastic syndrome. Identifiers: Orphanet 140162, MedGen C0027672, MeSH D009386, MONDO:0015356.

Submission:

Ambry Genetics
Classification: Uncertain significance for Hereditary cancer-predisposing syndrome. Last evaluated: 2026-06-03. Review status: criteria provided, single submitter. Criteria: Ambry Variant Classification Scheme 2023. Collection method: clinical testing. Allele origin: germline.
Comment: The p.R1027P variant (also known as c.3080G>C), located in coding exon 21 of the TSC1 gene, results from a G to C substitution at nucleotide position 3080. The arginine at codon 1027 is replaced by proline, an amino acid with dissimilar properties. This amino acid position is conserved. In addition, the in silico prediction for this alteration is inconclusive. Based on the available evidence, the clinical significance of this variant remains unclear.